The following is an entry in ClinVar:

NM_000143.4(FH):c.1047T>A (p.Pro349=)

Gene: FH (fumarate hydratase; minus strand). Cytogenetic location: 1q43.
Variant type: single nucleotide variant.
Coding change: c.1047T>A on transcript NM_000143.4 (MANE Select); coding-DNA position 1047, T replaced by A.
Protein change: p.Pro349=; no amino-acid change (proline 349 retained).
Molecular consequence: synonymous variant.
Genome position (GRCh38, 1-based): chr1:241,504,103, A>T on the plus strand (T>A on the coding strand, the complement: FH is on the minus strand). VCF-style: chr1-241504103-A-T. GRCh37 (hg19) VCF-style: chr1-241667403-A-T.
Identifiers: ClinVar variation 3773070 (VCV003773070.2).

ClinVar aggregate classification (germline): Benign/Likely benign. Review status: criteria provided, multiple submitters, no conflicts (2 of 4 stars). 2 submissions from 2 submitters: Benign (1); Likely benign (1). Last evaluated 2026-07-09.

Conditions:
Hereditary leiomyomatosis and renal cell cancer. Also called: Familial leiomyomatosis; Reed syndrome; Multiple cutaneous and uterine leiomyomatosis; Cutaneous leiomyomata with uterine leiomyomata; Leiomyoma, hereditary multiple, of skin; Multiple cutaneous and uterine leiomyomata. Identifiers: Orphanet 523, MedGen C1708350, MONDO:0007888, OMIM 150800, HP:0007437. Disease mechanism: loss of function.
Hereditary cancer-predisposing syndrome. Also called: Tumor predisposition; Hereditary neoplastic syndrome; Hereditary Cancer Syndrome; Neoplastic Syndromes, Hereditary. Identifiers: Orphanet 140162, MedGen C0027672, MeSH D009386, MONDO:0015356.

Submissions (2):

Ambry Genetics
Classification: Likely benign for Hereditary cancer-predisposing syndrome. Last evaluated: 2026-07-09. Review status: criteria provided, single submitter. Criteria: Ambry Variant Classification Scheme 2023. Collection method: clinical testing. Allele origin: germline.

Myriad Genetics, Inc.
Classification: Benign for Hereditary leiomyomatosis and renal cell cancer. Last evaluated: 2024-10-21. Review status: criteria provided, single submitter. Criteria: Myriad Autosomal Dominant, Autosomal Recessive and X-Linked Classification Criteria (2023). Collection method: clinical testing. Allele origin: unknown.
Comment: This variant is considered benign. This variant is a silent/synonymous amino acid change and it is not expected to impact splicing.